The following is an entry in ClinVar:

ClinVar aggregate classification (germline): Uncertain significance (1 of 4 stars; one submission).

Conditions:
SEMA3G-related disorder. Also called: SEMA3G-related condition.

gnomAD v4.1: 2 of 1,613,732 alleles (0.00012%); highest among the groups gnomAD compares: Admixed American, 0.0033%; no homozygotes.

Submission:

PreventionGenetics, part of Exact Sciences
Classification: Uncertain significance for SEMA3G-related condition. Last evaluated: 2025-09-15. Review status: criteria provided, single submitter. Criteria: ACMG Guidelines, 2015. Collection method: clinical testing. Allele origin: germline.
Comment: The SEMA3G c.251A>G variant is predicted to result in the amino acid substitution p.Asp84Gly. To our knowledge, this variant has not been reported in the literature. This variant is reported in 0.12% of alleles in individuals of Latino descent in gnomAD. Although we suspect that this variant may be benign, at this time, the clinical significance of this variant is uncertain due to the absence of conclusive functional and genetic evidence.

NM_020163.3(SEMA3G):c.251A>G (p.Asp84Gly)

Gene: SEMA3G (semaphorin 3G; minus strand). Cytogenetic location: 3p21.1.
Variant type: single nucleotide variant.
Coding change: c.251A>G on transcript NM_020163.3 (MANE Select); coding-DNA position 251, A replaced by G.
Protein change: p.Asp84Gly; replaces aspartic acid 84 with glycine.
Molecular consequence: missense variant.
Genome position (GRCh38, 1-based): chr3:52,442,772, T>C on the plus strand (A>G on the coding strand, the complement: SEMA3G is on the minus strand). VCF-style: chr3-52442772-T-C. GRCh37 (hg19) VCF-style: chr3-52476788-T-C.
Other names: short protein forms D84G.
Identifiers: ClinVar variation 4990032 (VCV004990032.1).
Genomic context (GRCh38, chr3:52,442,772, plus strand): 5'-TCAAACAGACCCTCTTCCCTGCCAGTCCAGCTCACCTCCCGGGGATCTGGCCATGCCTGG[T>C]CCAGCCGCAGAGAGTAGAGGGCGTCCAGGCCACCCAGAAAGAGGCGGTCTCGGTACTCAT-3'
Protein context (NP_064548.1, residues 74-94): GLDALYSLRL[Asp84Gly]QAWPDPREVL